The following is an entry in ClinVar:

NM_000257.4(MYH7):c.161G>A (p.Arg54Gln)

Gene: MYH7 (myosin heavy chain 7; minus strand). Cytogenetic location: 14q11.2.
Variant type: single nucleotide variant.
Coding change: c.161G>A on transcript NM_000257.4 (MANE Select); coding-DNA position 161, G replaced by A.
Protein change: p.Arg54Gln; replaces arginine 54 with glutamine.
Molecular consequence: missense variant.
Genome position (GRCh38, 1-based): chr14:23,433,572, C>T on the plus strand (G>A on the coding strand, the complement: MYH7 is on the minus strand). VCF-style: chr14-23433572-C-T. GRCh37 (hg19) VCF-style: chr14-23902781-C-T.
Other names: short protein forms R54Q.
Identifiers: ClinVar variation 42856 (VCV000042856.20), dbSNP rs397516117, ClinGen allele CA011076.

ClinVar aggregate classification (germline): Uncertain significance. Review status: criteria provided, multiple submitters, no conflicts (2 of 4 stars). 6 submissions from 6 submitters: Uncertain significance (6). Last evaluated 2025-08-06.

Conditions:
Cardiovascular phenotype. Identifiers: MedGen CN230736.
Cardiomyopathy (CMYO). Also called: Cardiomyopathies. Identifiers: Orphanet 167848, MedGen C0878544, MONDO:0004994, HP:0001638. Inheritance: Various modes of inheritance.
Hypertrophic cardiomyopathy. Also called: HYPERTROPHIC MYOCARDIOPATHY. Identifiers: Orphanet 217569, MedGen C0007194, MeSH D002312, MONDO:0005045, HP:0001639.

Allele frequency attached by ClinVar (database versions not stated): TOPMed 0.00001; gnomAD 0.00003.
gnomAD v4.1: 12 of 1,614,088 alleles (0.00074%); highest among the groups gnomAD compares: East Asian, 0.011%; no homozygotes.

Submissions (6):

Labcorp Genetics (formerly Invitae), Labcorp
Classification: Uncertain significance for Hypertrophic cardiomyopathy. Last evaluated: 2025-08-06. Review status: criteria provided, single submitter. Criteria: Invitae Variant Classification Sherloc (09022015). Collection method: clinical testing. Allele origin: germline.
Comment: This sequence change replaces arginine, which is basic and polar, with glutamine, which is neutral and polar, at codon 54 of the MYH7 protein (p.Arg54Gln). This variant is present in population databases (rs397516117, gnomAD 0.02%). This missense change has been observed in individual(s) with hypertrophic cardiomyopathy (PMID: 27532257, 28498465, 30790116, 37652022). ClinVar contains an entry for this variant (Variation ID: 42856). Invitae Evidence Modeling of protein sequence and biophysical properties (such as structural, functional, and spatial information, amino acid conservation, physicochemical variation, residue mobility, and thermodynamic stability) indicates that this missense variant is expected to disrupt MYH7 protein function with a positive predictive value of 95%. In summary, the available evidence is currently insufficient to determine the role of this variant in disease. Therefore, it has been classified as a Variant of Uncertain Significance.

Blueprint Genetics
Classification: Uncertain significance. Last evaluated: 2023-06-07. Review status: criteria provided, single submitter. Criteria: ACMG Guidelines, 2015. Collection method: clinical testing. Allele origin: germline.

All of Us Research Program, National Institutes of Health
Classification: Uncertain significance for Cardiomyopathy. Last evaluated: 2023-05-04. Review status: criteria provided, single submitter. Criteria: ACMG Guidelines, 2015. Collection method: clinical testing. Allele origin: germline. Inheritance: Autosomal dominant inheritance. Observed: 1 variant allele, 1 heterozygote.
Comment: This missense variant replaces arginine with glutamine at codon 54 of the MYH7 protein. Computational prediction suggests that this variant may not impact protein structure and function (internally defined REVEL score threshold <= 0.5, PMID: 27666373). To our knowledge, functional studies have not been reported for this variant. This variant has been reported in individuals affected with hypertrophic cardiomyopathy (PMID: 27532257, 28498465, 30790116, 32481709) and in an individual affected with sudden cardiac arrest (PMID: 36588553). This variant has been identified in 7/282830 chromosomes in the general population by the Genome Aggregation Database (gnomAD). The available evidence is insufficient to determine the role of this variant in disease conclusively. Therefore, this variant is classified as a Variant of Uncertain Significance.

This study involves interpretation of variants in research participants for the purpose of population health screening. Participant phenotype was not available at the time of variant classification. Additional details can be found in publication PMID: 35346344, PMCID: PMC8962531

Color Diagnostics, LLC DBA Color Health
Classification: Uncertain significance for Cardiomyopathy. Last evaluated: 2023-03-30. Review status: criteria provided, single submitter. Criteria: ACMG Guidelines, 2015. Collection method: clinical testing. Allele origin: germline.
Comment: This missense variant replaces arginine with glutamine at codon 54 of the MYH7 protein. Computational prediction suggests that this variant may not impact protein structure and function (internally defined REVEL score threshold <= 0.5, PMID: 27666373). To our knowledge, functional studies have not been reported for this variant. This variant has been reported in individuals affected with hypertrophic cardiomyopathy (PMID: 27532257, 28498465, 30790116, 32481709) and in an individual affected with sudden cardiac arrest (PMID: 36588553). This variant has been identified in 7/282830 chromosomes in the general population by the Genome Aggregation Database (gnomAD). The available evidence is insufficient to determine the role of this variant in disease conclusively. Therefore, this variant is classified as a Variant of Uncertain Significance.

Ambry Genetics
Classification: Uncertain significance for Cardiovascular phenotype. Last evaluated: 2020-07-23. Review status: criteria provided, single submitter. Criteria: Ambry Variant Classification Scheme 2023. Collection method: clinical testing. Allele origin: germline.

Laboratory for Molecular Medicine, Mass General Brigham Personalized Medicine
Classification: Uncertain significance. Last evaluated: 2013-04-03. Review status: criteria provided, single submitter. Criteria: LMM Criteria. Collection method: clinical testing. Allele origin: germline. Observed: 1 variant allele.
Comment: Com putational analyses (biochemical amino acid properties, conservation, AlignGVGD, PolyPhen2, and SIFT) do not provide strong support for or against and impact to the protein. In summary, additional information is needed to fully assess the c linical significance of the Arg54Gln variant.

Literature cited by the submitters: PubMed 27532257 (cited by 3 submitters); PubMed 28498465 (cited by 3 submitters); PubMed 30790116 (cited by 3 submitters); PubMed 37652022 (cited by Labcorp Genetics (formerly Invitae), Labcorp); PubMed 32481709 (cited by All of Us Research Program, National Institutes of Health and Color Diagnostics, LLC DBA Color Health); PubMed 36588553 (cited by All of Us Research Program, National Institutes of Health and Color Diagnostics, LLC DBA Color Health).